The following is an entry in ClinVar:

ClinVar aggregate classification (germline): Uncertain significance (1 of 4 stars; one submission).

Submission:

GeneDx
Classification: Uncertain significance. Last evaluated: 2026-02-10. Review status: criteria provided, single submitter. Criteria: GeneDx Variant Classification Process June 2021. Collection method: clinical testing. Allele origin: germline.
Comment: Not observed at significant frequency in large population cohorts (gnomAD); In silico analysis suggests that this missense variant does not alter protein structure/function; Has not been previously published as pathogenic or benign to our knowledge

NM_145331.3(MAP3K7):c.1562C>G (p.Ala521Gly)

Gene: MAP3K7 (mitogen-activated protein kinase kinase kinase 7; minus strand). Cytogenetic location: 6q15.
Variant type: single nucleotide variant.
Coding change: c.1562C>G on transcript NM_145331.3 (MANE Select); coding-DNA position 1562, C replaced by G.
Protein change: p.Ala521Gly; replaces alanine 521 with glycine.
Molecular consequence: missense variant. On other transcripts: intron variant (2).
Genome position (GRCh38, 1-based): chr6:90,518,525, G>C on the plus strand (C>G on the coding strand, the complement: MAP3K7 is on the minus strand). VCF-style: chr6-90518525-G-C. GRCh37 (hg19) VCF-style: chr6-91228244-G-C.
Other names: c.1481C>G, p.Ala494Gly (NM_003188.4); c.1443+733C>G (NM_145333.3); c.1524+733C>G (NM_145332.3); short protein forms A494G, A521G.
Identifiers: ClinVar variation 4976558 (VCV004976558.1).